The following is an entry in ClinVar:

NM_002206.3(ITGA7):c.247C>T (p.Gln83Ter)

Gene: ITGA7 (integrin subunit alpha 7; minus strand). Cytogenetic location: 12q13.2.
Variant type: single nucleotide variant.
Coding change: c.247C>T on transcript NM_002206.3 (MANE Select); coding-DNA position 247, C replaced by T.
Protein change: p.Gln83Ter; replaces glutamine 83 with a stop codon.
Molecular consequence: nonsense. On other transcripts: 5 prime UTR variant (3), intron variant (1).
Genome position (GRCh38, 1-based): chr12:55,703,138, G>A on the plus strand (C>T on the coding strand, the complement: ITGA7 is on the minus strand). VCF-style: chr12-55703138-G-A. GRCh37 (hg19) VCF-style: chr12-56096922-G-A.
Other names: c.247C>T, p.Gln83Ter (NM_001414029.1, NM_001414030.1, NM_001414033.1 and 6 more transcripts); c.-93C>T (NM_001414035.1, NM_001367993.1); c.-926C>T (NM_001367994.1); c.86-1722C>T (NM_001144997.2); short protein forms Q83*.
Identifiers: ClinVar variation 1076785 (VCV001076785.9), dbSNP rs1055839662, ClinGen allele CA237581162.

ClinVar aggregate classification (germline): Pathogenic/Likely pathogenic. Review status: criteria provided, multiple submitters, no conflicts (2 of 4 stars). 2 submissions from 2 submitters: Pathogenic (1); Likely pathogenic (1). Last evaluated 2025-07-14.

Conditions:
Congenital muscular dystrophy due to integrin alpha-7 deficiency. Also called: MYOPATHY, CONGENITAL, DUE TO INTEGRIN ALPHA-7 DEFICIENCY; Congenital muscular dystrophy with integrin alpha-7 deficiency; Muscular dystrophy, congenital, due to ITGA7 deficiency. Identifiers: Orphanet 34520, MedGen C2750786, MONDO:0013177, OMIM 613204.

Allele frequency attached by ClinVar (database versions not stated): gnomAD exomes 0.00001 and 0.00003.

Submissions (2):

Labcorp Genetics (formerly Invitae), Labcorp
Classification: Pathogenic for Congenital muscular dystrophy due to integrin alpha-7 deficiency. Last evaluated: 2025-07-14. Review status: criteria provided, single submitter. Criteria: Invitae Variant Classification Sherloc (09022015). Collection method: clinical testing. Allele origin: germline.
Comment: This sequence change creates a premature translational stop signal (p.Gln83*) in the ITGA7 gene. It is expected to result in an absent or disrupted protein product. Loss-of-function variants in ITGA7 are known to be pathogenic (PMID: 9590299). This variant is present in population databases (no rsID available, gnomAD 0.002%). This variant has not been reported in the literature in individuals affected with ITGA7-related conditions. ClinVar contains an entry for this variant (Variation ID: 1076785). For these reasons, this variant has been classified as Pathogenic.

Revvity Omics, Revvity
Classification: Likely pathogenic for Congenital muscular dystrophy due to integrin alpha-7 deficiency. Last evaluated: 2023-06-30. Review status: criteria provided, single submitter. Criteria: ACMG Guidelines, 2015. Collection method: clinical testing. Allele origin: germline.

Literature cited by the submitters: PubMed 9590299 (cited by Labcorp Genetics (formerly Invitae), Labcorp).